The following is an entry in ClinVar:

NM_001694.4(ATP6V0C):c.101C>G (p.Thr34Arg)

Gene: ATP6V0C (ATPase H+ transporting V0 subunit c; plus strand). Cytogenetic location: 16p13.3.
Variant type: single nucleotide variant.
Coding change: c.101C>G on transcript NM_001694.4 (MANE Select); coding-DNA position 101, C replaced by G.
Protein change: p.Thr34Arg; replaces threonine 34 with arginine.
Molecular consequence: missense variant.
Genome position (GRCh38, 1-based): chr16:2,519,239, C>G. VCF-style: chr16-2519239-C-G. GRCh37 (hg19) VCF-style: chr16-2569240-C-G.
Other names: c.101C>G, p.Thr34Arg (NM_001198569.2); short protein forms T34R.
Identifiers: ClinVar variation 3367443 (VCV003367443.1).

ClinVar aggregate classification (germline): Uncertain significance (1 of 4 stars; one submission).

Submission:

GeneDx
Classification: Uncertain significance. Last evaluated: 2024-01-02. Review status: criteria provided, single submitter. Criteria: GeneDx Variant Classification Process June 2021. Collection method: clinical testing. Allele origin: germline. Affected: yes.
Comment: Not observed at significant frequency in large population cohorts (gnomAD); In silico analysis supports that this missense variant has a deleterious effect on protein structure/function; Has not been previously published as pathogenic or benign to our knowledge